The following is an entry in ClinVar:

ClinVar aggregate classification (germline): Uncertain significance. Review status: criteria provided, multiple submitters, no conflicts (2 of 4 stars). 2 submissions from 2 submitters: Uncertain significance (2). Last evaluated 2025-12-03.

Conditions:
Hereditary sensory and autonomic neuropathy with spastic paraplegia (HSNSP). Identifiers: Orphanet 139578, MedGen C1850395, MONDO:0009748, OMIM 256840.

Allele frequency attached by ClinVar (database versions not stated): gnomAD exomes below 0.00001; gnomAD 0.00003 and 0.00004; TOPMed 0.00003.
gnomAD v4.1: 7 of 1,609,292 alleles (0.00043%); highest among the groups gnomAD compares: African/African-American, 0.0067%; no homozygotes.

Submissions (2):

Ambry Genetics
Classification: Uncertain significance. Last evaluated: 2025-12-03. Review status: criteria provided, single submitter. Criteria: Ambry Variant Classification Scheme 2023. Collection method: clinical testing. Allele origin: germline.

Labcorp Genetics (formerly Invitae), Labcorp
Classification: Uncertain significance for Hereditary sensory and autonomic neuropathy with spastic paraplegia. Last evaluated: 2023-05-26. Review status: criteria provided, single submitter. Criteria: Invitae Variant Classification Sherloc (09022015). Collection method: clinical testing. Allele origin: germline.
Comment: In summary, the available evidence is currently insufficient to determine the role of this variant in disease. Therefore, it has been classified as a Variant of Uncertain Significance. Advanced modeling of protein sequence and biophysical properties (such as structural, functional, and spatial information, amino acid conservation, physicochemical variation, residue mobility, and thermodynamic stability) performed at Invitae indicates that this missense variant is not expected to disrupt CCT5 protein function. This variant is present in population databases (no rsID available, gnomAD 0.004%). ClinVar contains an entry for this variant (Variation ID: 1407767). This variant has not been reported in the literature in individuals affected with CCT5-related conditions. This sequence change replaces alanine, which is neutral and non-polar, with glycine, which is neutral and non-polar, at codon 41 of the CCT5 protein (p.Ala41Gly).

NM_012073.5(CCT5):c.122C>G (p.Ala41Gly)

Gene: CCT5 (chaperonin containing TCP1 subunit 5; plus strand). Cytogenetic location: 5p15.2.
Variant type: single nucleotide variant.
Coding change: c.122C>G on transcript NM_012073.5 (MANE Select); coding-DNA position 122, C replaced by G.
Protein change: p.Ala41Gly; replaces alanine 41 with glycine.
Molecular consequence: missense variant.
Genome position (GRCh38, 1-based): chr5:10,254,161, C>G. VCF-style: chr5-10254161-C-G. GRCh37 (hg19) VCF-style: chr5-10254273-C-G.
Other names: c.59C>G, p.Ala20Gly (NM_001306153.1); c.122C>G, p.Ala41Gly (NM_001306154.2); c.8C>G, p.Ala3Gly (NM_001306155.2, NM_001306156.2); c.122C>G (NM_012073.3); short protein forms A20G, A41G, A3G.
Identifiers: ClinVar variation 1407767 (VCV001407767.9), dbSNP rs1337016126, ClinGen allele CA359179985.
Genomic context (GRCh38, chr5:10,254,161, plus strand): 5'-AAATTATATGTAACAGTGTTTGCTTTTTCTGTTTGTTTCATTAGTCTCATATAATGGCAG[C>G]AAAGGCTGTAGCAAATACAATGAGAACATCACTTGGACCAAATGGTAAGAGTCCACCATT-3'
Protein context (NP_036205.1, residues 31-51): LEALKSHIMA[Ala41Gly]KAVANTMRTS